The following is an entry in ClinVar:

ClinVar aggregate classification (germline): Pathogenic (1 of 4 stars; one submission).

Submission:

Labcorp Genetics (formerly Invitae), Labcorp
Classification: Pathogenic. Last evaluated: 2022-06-20. Review status: criteria provided, single submitter. Criteria: Invitae Variant Classification Sherloc (09022015). Collection method: clinical testing. Allele origin: germline.
Comment: For these reasons, this variant has been classified as Pathogenic. This variant has not been reported in the literature in individuals affected with COL4A3-related conditions. This variant is a gross deletion of the genomic region encompassing exon(s) 12-19 of the COL4A3 gene. This deletion is out-of-frame, and is expected to create a premature termination codon and result in an absent or disrupted protein product. Loss-of-function variants in COL4A3 are known to be pathogenic (PMID: 8956999, 24854265, 26809805, 27281700).

Literature cited by the submitters: PubMed 8956999; PubMed 24854265; PubMed 26809805; PubMed 27281700.

NC_000002.11:g.(?_228117992)_(228124613_?)del

Gene: COL4A3 (collagen type IV alpha 3 chain; plus strand). Cytogenetic location: 2q36.3.
Variant type: Deletion.
Identifiers: ClinVar variation 2422341 (VCV002422341.4).